The following is an entry in ClinVar:

ClinVar aggregate classification (germline): Likely benign (1 of 4 stars; one submission).

Submission:

GeneDx
Classification: Likely benign. Last evaluated: 2016-04-27. Review status: criteria provided, single submitter. Criteria: GeneDx Variant Classification (06012015). Collection method: clinical testing. Allele origin: germline. Affected: yes.
Comment: This variant is considered likely benign or benign based on one or more of the following criteria: it is a conservative change, it occurs at a poorly conserved position in the protein, it is predicted to be benign by multiple in silico algorithms, and/or has population frequency not consistent with disease.

NM_001271.4(CHD2):c.-47A>G

Gene: CHD2 (chromodomain helicase DNA binding protein 2; plus strand). Cytogenetic location: 15q26.1.
Variant type: single nucleotide variant.
Coding change: c.-47A>G on transcript NM_001271.4 (MANE Select); 47 bases upstream of the start codon, A replaced by G.
Molecular consequence: 5 prime UTR variant.
Genome position (GRCh38, 1-based): chr15:92,901,191, A>G. VCF-style: chr15-92901191-A-G. GRCh37 (hg19) VCF-style: chr15-93444421-A-G.
Other names: c.-47A>G (NM_001042572.3).
Identifiers: ClinVar variation 385474 (VCV000385474.1), dbSNP rs1057522237, ClinGen allele CA16607187.